The following is an entry in ClinVar:

ClinVar aggregate classification (germline): Pathogenic (1 of 4 stars; one submission).

Conditions:
Charcot-Marie-Tooth disease type 2. Also called: Charcot-Marie-Tooth type 2. Identifiers: Orphanet 64746, MedGen C0270914, MONDO:0018993.

Submissions (2):

Labcorp Genetics (formerly Invitae), Labcorp
Classification: Pathogenic for Charcot-Marie-Tooth disease type 2. Last evaluated: 2022-08-09. Review status: criteria provided, single submitter. Criteria: Invitae Variant Classification Sherloc (09022015). Collection method: clinical testing. Allele origin: germline.
Comment: For these reasons, this variant has been classified as Pathogenic. This variant disrupts the c.936+1G nucleotide in the LMNA gene. Other variant(s) that disrupt this nucleotide have been determined to be pathogenic (PMID: 23183350, 23349452). This suggests that this nucleotide is clinically significant, and that variants that disrupt this position are likely to be disease-causing. Algorithms developed to predict the effect of sequence changes on RNA splicing suggest that this variant may disrupt the consensus splice site. ClinVar contains an entry for this variant (Variation ID: 476836). This variant has not been reported in the literature in individuals affected with LMNA-related conditions. This variant is not present in population databases (gnomAD no frequency). This sequence change affects a donor splice site in intron 5 of the LMNA gene. It is expected to disrupt RNA splicing. Variants that disrupt the donor or acceptor splice site typically lead to a loss of protein function (PMID: 16199547), and loss-of-function variants in LMNA are known to be pathogenic (PMID: 18585512, 18926329).

Dr. Peter K. Rogan Lab, Western University
No classification provided (evidence only). Condition: Papillary renal cell carcinoma type 1. Review status: no classification provided. Collection method: in vitro. Allele origin: not applicable. Functional consequence: retained intron. Not counted in ClinVar's aggregate classification.

Literature cited by the submitters: PubMed 23183350 (cited by Labcorp Genetics (formerly Invitae), Labcorp); PubMed 23349452 (cited by Labcorp Genetics (formerly Invitae), Labcorp); PubMed 16199547 (cited by Labcorp Genetics (formerly Invitae), Labcorp); PubMed 18585512 (cited by Labcorp Genetics (formerly Invitae), Labcorp); PubMed 18926329 (cited by Labcorp Genetics (formerly Invitae), Labcorp).

NM_170707.4(LMNA):c.936+1G>A

Gene: LMNA (lamin A/C; plus strand). Cytogenetic location: 1q22.
Variant type: single nucleotide variant.
Coding change: c.936+1G>A on transcript NM_170707.4 (MANE Select); the canonical splice donor site of the intron after coding-DNA position 936, G replaced by A.
Molecular consequence: splice donor variant.
Genome position (GRCh38, 1-based): chr1:156,135,313, G>A. VCF-style: chr1-156135313-G-A. GRCh37 (hg19) VCF-style: chr1-156105104-G-A.
Other names: c.936+1G>A (NM_001406983.1, NM_001282625.2, NM_001406984.1 and 6 more transcripts); c.378+1G>A (NM_001407002.1, NM_001406993.1, NM_001407003.1 and 4 more transcripts); c.272+1G>A (NM_001406999.1, NM_001407000.1, NM_001406994.1 and 1 more transcripts); c.693+1G>A (NM_001406986.1, NM_001406987.1, NM_001282624.2); c.600+1G>A (NM_001406989.1, NM_001257374.3, NM_001406998.1); c.639+1G>A (NM_001406988.1).
Identifiers: ClinVar variation 476836 (VCV000476836.10), dbSNP rs267607588, ClinGen allele CA342818117.